The following is an entry in ClinVar:

ClinVar aggregate classification (germline): Pathogenic (1 of 4 stars; one submission).

Submission:

Labcorp Genetics (formerly Invitae), Labcorp
Classification: Pathogenic. Last evaluated: 2022-06-13. Review status: criteria provided, single submitter. Criteria: Invitae Variant Classification Sherloc (09022015). Collection method: clinical testing. Allele origin: germline.
Comment: This variant results in the deletion of part of exon 1 (c.-6396_43del) of the CHM gene. It is expected to result in an absent or disrupted protein product. Loss-of-function variants in CHM are known to be pathogenic (PMID: 9067750, 23811034). For these reasons, this variant has been classified as Pathogenic. This variant has not been reported in the literature in individuals affected with CHM-related conditions.

Literature cited by the submitters: PubMed 9067750; PubMed 23811034.

NC_000023.10:g.(?_85302494)_(85308932_?)del

Gene: CHM (CHM Rab escort protein; minus strand). Cytogenetic location: Xq21.2.
Variant type: Deletion.
Identifiers: ClinVar variation 1460197 (VCV001460197.7).